The following is an entry in ClinVar:

ClinVar aggregate classification (germline): Pathogenic (3 of 4 stars; one submission).

Conditions:
Lynch syndrome. Identifiers: Orphanet 144, MedGen C4552100, MONDO:0005835. Disease mechanism: loss of function.

Submission:

International Society for Gastrointestinal Hereditary Tumours (InSiGHT)
Classification: Pathogenic for Lynch Syndrome. Last evaluated: 2013-09-05. Review status: reviewed by expert panel. Criteria: Guidelines v1.9. Collection method: research. Allele origin: germline.
Comment: Large deletion

Classified with v1.9 guidelines

NM_000535.6(PMS2):c.1145-?_2174+?del

Gene: PMS2 (PMS1 homolog 2, mismatch repair system component; minus strand).
Variant type: Deletion.
Coding change: c.1145-?_2174+?del on transcript NM_000535.6.
Other names: c.1145-?_2174+?del (LRG_161t1).
Identifiers: ClinVar variation 91294 (VCV000091294.2).